The following is an entry in ClinVar:

NM_001792.5(CDH2):c.1859C>A (p.Ser620Ter)

Gene: CDH2 (cadherin 2; minus strand). Cytogenetic location: 18q12.1.
Variant type: single nucleotide variant.
Coding change: c.1859C>A on transcript NM_001792.5 (MANE Select); coding-DNA position 1859, C replaced by A.
Protein change: p.Ser620Ter; replaces serine 620 with a stop codon.
Molecular consequence: nonsense.
Genome position (GRCh38, 1-based): chr18:27,985,644, G>T on the plus strand (C>A on the coding strand, the complement: CDH2 is on the minus strand). VCF-style: chr18-27985644-G-T. GRCh37 (hg19) VCF-style: chr18-25565608-G-T.
Other names: c.1766C>A, p.Ser589Ter (NM_001308176.2); short protein forms S589*, S620*.
Identifiers: ClinVar variation 3602850 (VCV003602850.3).

ClinVar aggregate classification (germline): Conflicting classifications of pathogenicity. Review status: criteria provided, conflicting classifications (1 of 4 stars). 2 submissions from 2 submitters: Likely pathogenic (1); Uncertain significance (1). Last evaluated 2025-10-12.

gnomAD v4.1: 1 of 1,613,698 alleles (0.000062%); highest among the groups gnomAD compares: African/African-American, 0.0013%; no homozygotes.

Submissions (2):

GeneDx
Classification: Likely pathogenic. Last evaluated: 2025-10-12. Review status: criteria provided, single submitter. Criteria: GeneDx Variant Classification Process June 2021. Collection method: clinical testing. Allele origin: germline.
Comment: Nonsense variant predicted to result in protein truncation or nonsense mediated decay in a gene for which loss of function is a known mechanism of disease; Not observed at significant frequency in large population cohorts (gnomAD); Has not been previously published as pathogenic or benign to our knowledge

Labcorp Genetics (formerly Invitae), Labcorp
Classification: Uncertain significance. Last evaluated: 2025-01-21. Review status: criteria provided, single submitter. Criteria: Invitae Variant Classification Sherloc (09022015). Collection method: clinical testing. Allele origin: germline.
Comment: This sequence change creates a premature translational stop signal (p.Ser620*) in the CDH2 gene. It is expected to result in an absent or disrupted protein product. However, the current clinical and genetic evidence is not sufficient to establish whether loss-of-function variants in CDH2 cause disease. This variant is not present in population databases (gnomAD no frequency). This variant has not been reported in the literature in individuals affected with CDH2-related conditions. In summary, the available evidence is currently insufficient to determine the role of this variant in disease. Therefore, it has been classified as a Variant of Uncertain Significance.